The following is an entry in ClinVar:

NM_003172.4(SURF1):c.371G>A (p.Gly124Glu)

Gene: SURF1 (SURF1 cytochrome c oxidase assembly factor; minus strand). Cytogenetic location: 9q34.2.
Variant type: single nucleotide variant.
Coding change: c.371G>A on transcript NM_003172.4 (MANE Select); coding-DNA position 371, G replaced by A.
Protein change: p.Gly124Glu; replaces glycine 124 with glutamic acid.
Molecular consequence: missense variant.
Genome position (GRCh38, 1-based): chr9:133,353,893, C>T on the plus strand (G>A on the coding strand, the complement: SURF1 is on the minus strand). VCF-style: chr9-133353893-C-T. GRCh37 (hg19) VCF-style: chr9-136220748-C-T.
Other names: c.44G>A, p.Gly15Glu (NM_001280787.1); short protein forms G124E, G15E.
Identifiers: ClinVar variation 12768 (VCV000012768.9), dbSNP rs28933402, ClinGen allele CA122697.

ClinVar aggregate classification (germline): Pathogenic. Review status: criteria provided, single submitter (1 of 4 stars). 2 submissions from 2 submitters: Pathogenic (1). 1 of the submissions does not count toward it. Last evaluated 2021-06-15.

Conditions:
Leigh syndrome (NULS). Also called: Leigh Disease; Leigh's syndrome; Subacute necrotizing encephalopathy; Necrotizing encephalopathy infantile subacute of Leigh; LEIGH SYNDROME, NUCLEAR; Leigh's necrotizing encephalopathy. Identifiers: Orphanet 506, MedGen C2931891, MONDO:0009723, OMIM 256000.
Mitochondrial complex IV deficiency, nuclear type 1 (MC4DN1). Also called: Mitochondrial complex IV deficiency; Complex 4 mitochondrial respiratory chain deficiency; Deficiency of mitochondrial respiratory chain complex4; Complex IV deficiency; COX DEFICIENCY. Identifiers: MedGen C5435656, MONDO:0700250, OMIM 220110. Disease mechanism: loss of function.

Submissions (2):

Labcorp Genetics (formerly Invitae), Labcorp
Classification: Pathogenic for Leigh syndrome. Last evaluated: 2021-06-15. Review status: criteria provided, single submitter. Criteria: Invitae Variant Classification Sherloc (09022015). Collection method: clinical testing. Allele origin: germline.
Comment: For these reasons, this variant has been classified as Pathogenic. Experimental studies have shown that this variant affects SURF1 protein function (PMID: 20624914). This variant has been observed in individual(s) with SURF1-related conditions (PMID: 10746561). It has also been observed to segregate with disease in related individuals. This variant is also known as G385A. ClinVar contains an entry for this variant (Variation ID: 12768). This variant is not present in population databases (ExAC no frequency). This sequence change replaces glycine with glutamic acid at codon 124 of the SURF1 protein (p.Gly124Glu). The glycine residue is highly conserved and there is a moderate physicochemical difference between glycine and glutamic acid.

OMIM
Classification: Pathogenic for MITOCHONDRIAL COMPLEX IV DEFICIENCY, NUCLEAR TYPE 1. Last evaluated: 2000-02-01. Review status: no assertion criteria provided. Collection method: literature only. Allele origin: germline. Not counted in ClinVar's aggregate classification.

Literature cited by the submitters: PubMed 20624914 (cited by Labcorp Genetics (formerly Invitae), Labcorp); PubMed 10746561 (cited by Labcorp Genetics (formerly Invitae), Labcorp and OMIM).